The following is an entry in ClinVar:

ClinVar aggregate classification (germline): Uncertain significance (1 of 4 stars; one submission).

Conditions:
Developmental and epileptic encephalopathy, 23 (DEE23). Also called: Epileptic encephalopathy, early infantile, 23. Identifiers: Orphanet 411986, MedGen C4014492, MONDO:0014371, OMIM 615859.

Allele frequency attached by ClinVar (database versions not stated): gnomAD exomes below 0.00001.
gnomAD v4.1: 1 of 1,612,516 alleles (0.000062%); highest among the groups gnomAD compares: South Asian, 0.0011%; no homozygotes.

Submission:

Labcorp Genetics (formerly Invitae), Labcorp
Classification: Uncertain significance for Developmental and epileptic encephalopathy, 23. Last evaluated: 2020-09-15. Review status: criteria provided, single submitter. Criteria: Invitae Variant Classification Sherloc (09022015). Collection method: clinical testing. Allele origin: germline.
Comment: This sequence change falls in intron 26 of the DOCK7 gene. It does not directly change the encoded amino acid sequence of the DOCK7 protein. In summary, the available evidence is currently insufficient to determine the role of this variant in disease. Therefore, it has been classified as a Variant of Uncertain Significance. Algorithms developed to predict the effect of sequence changes on RNA splicing suggest that this variant may create or strengthen a splice site, but this prediction has not been confirmed by published transcriptional studies. This variant has not been reported in the literature in individuals with DOCK7-related conditions. This variant is not present in population databases (ExAC no frequency).

NM_001367561.1(DOCK7):c.3186+7A>G

Gene: DOCK7 (dedicator of cytokinesis 7; minus strand). Cytogenetic location: 1p31.3.
Variant type: single nucleotide variant.
Coding change: c.3186+7A>G on transcript NM_001367561.1 (MANE Select); 7 bases into the intron after coding-DNA position 3186, A replaced by G.
Molecular consequence: intron variant.
Genome position (GRCh38, 1-based): chr1:62,539,745, T>C on the plus strand (A>G on the coding strand, the complement: DOCK7 is on the minus strand). VCF-style: chr1-62539745-T-C. GRCh37 (hg19) VCF-style: chr1-63005416-T-C.
Other names: c.3093+7A>G (NM_001272001.2, NM_001272000.2, NM_033407.4); c.3186+7A>G (NM_001271999.2, NM_001330614.2).
Identifiers: ClinVar variation 1059741 (VCV001059741.9), dbSNP rs1165284939, ClinGen allele CA523543281.